The following is an entry in ClinVar:

ClinVar aggregate classification (germline): Uncertain significance (1 of 4 stars; one submission).

Conditions:
Idiopathic generalized epilepsy. Also called: Generalised epilepsy; EIG. Identifiers: MedGen C0270850, MONDO:0005579, OMIM 600669.
Hyperaldosteronism, familial, type IV (HALD4). Also called: FH IV; ALDOSTERONISM, PRIMARY, AND HYPERTENSION. Identifiers: Orphanet 642671, MedGen C4310756, MONDO:0014875, OMIM 617027.

gnomAD v4.1: 1 of 1,612,642 alleles (0.000062%); highest among the groups gnomAD compares: Non-Finnish European, 0.000085%; no homozygotes.

Submission:

Labcorp Genetics (formerly Invitae), Labcorp
Classification: Uncertain significance for Idiopathic generalized epilepsy; Hyperaldosteronism, familial, type IV. Last evaluated: 2022-02-14. Review status: criteria provided, single submitter. Criteria: Invitae Variant Classification Sherloc (09022015). Collection method: clinical testing. Allele origin: germline.
Comment: In summary, the available evidence is currently insufficient to determine the role of this variant in disease. Therefore, it has been classified as a Variant of Uncertain Significance. Advanced modeling of protein sequence and biophysical properties (such as structural, functional, and spatial information, amino acid conservation, physicochemical variation, residue mobility, and thermodynamic stability) performed at Invitae indicates that this missense variant is not expected to disrupt CACNA1H protein function. ClinVar contains an entry for this variant (Variation ID: 1016229). This variant has not been reported in the literature in individuals affected with CACNA1H-related conditions. This variant is not present in population databases (gnomAD no frequency). This sequence change replaces proline, which is neutral and non-polar, with alanine, which is neutral and non-polar, at codon 2280 of the CACNA1H protein (p.Pro2280Ala).

NM_021098.3(CACNA1H):c.6838C>G (p.Pro2280Ala)

Gene: CACNA1H (calcium voltage-gated channel subunit alpha1 H; plus strand). Cytogenetic location: 16p13.3.
Variant type: single nucleotide variant.
Coding change: c.6838C>G on transcript NM_021098.3 (MANE Select); coding-DNA position 6838, C replaced by G.
Protein change: p.Pro2280Ala; replaces proline 2280 with alanine.
Molecular consequence: missense variant.
Genome position (GRCh38, 1-based): chr16:1,220,770, C>G. VCF-style: chr16-1220770-C-G. GRCh37 (hg19) VCF-style: chr16-1270770-C-G.
Other names: c.6820C>G, p.Pro2274Ala (NM_001005407.2); short protein forms P2274A, P2280A.
Identifiers: ClinVar variation 1016229 (VCV001016229.10), dbSNP rs760918600, ClinGen allele CA394150911.